The following is an entry in ClinVar:

ClinVar aggregate classification (germline): Likely pathogenic (1 of 4 stars; one submission).

Conditions:
Usher syndrome type 2A. Also called: USHER SYNDROME, TYPE IIA; RETINAL DISEASE IN USHER SYNDROME TYPE IIA, MODIFIER OF. Identifiers: Orphanet 231178, Orphanet 886, MedGen C1848634, MONDO:0010169, OMIM 276901.

Submission:

Natera, Inc.
Classification: Likely pathogenic for Usher syndrome type 2A. Last evaluated: 2024-03-11. Review status: criteria provided, single submitter. Criteria: Natera Variant Classification Schema (03/2026). Collection method: clinical testing. Allele origin: germline.
Comment: The c.6958delG variant in USH2A is a frameshift variant predicted to shift the reading frame beginning at codon 2320 and leads to a stop codon 6 codons downstream. This variant is expected to result in nonsense mediated decay, truncation, or a dysfunctional protein product. This variant is rare in the general population with a frequency below the threshold expected for the associated phenotype(s). Given the available evidence, this variant is classified as Likely Pathogenic.

NM_206933.2(USH2A):c.6958delG

Gene: USH2A (usherin; minus strand). Cytogenetic location: 1q41.
Variant type: Deletion.
Coding change: c.6958delG on transcript NM_206933.2; coding-DNA position 6958, one base deleted (G).
Genome position (GRCh38, 1-based): chr1:215,965,479, C deleted on the plus strand (G on the coding strand, the reverse complement: USH2A is on the minus strand); the first of 2 consecutive C bases (chr1:215,965,479-215,965,480); deleting either gives the same sequence. VCF-style (leftmost placement, unchanged base first): chr1-215965478-AC-A. GRCh37 (hg19) VCF-style: chr1-216138820-AC-A.
Identifiers: ClinVar variation 4817146 (VCV004817146.1).